The following is an entry in ClinVar:

NM_004006.3(DMD):c.506dup (p.Leu169fs)

Gene: DMD (dystrophin; minus strand). Cytogenetic location: Xp21.1.
Variant type: Duplication.
Coding change: c.506dup on transcript NM_004006.3 (MANE Select); coding-DNA position 506, one base duplicated (T; older notation c.506dupT).
Protein change: p.Leu169fs; shifts the reading frame from leucine 169.
Molecular consequence: frameshift variant.
Genome position (GRCh38, 1-based): chrX:32,816,492, A duplicated on the plus strand (T on the coding strand, the reverse complement: DMD is on the minus strand); the first of 3 consecutive A bases (chrX:32,816,492-32,816,494); duplicating any one gives the same sequence. VCF-style (leftmost placement, unchanged base first): chrX-32816491-C-CA. GRCh37 (hg19) VCF-style: chrX-32834608-C-CA.
Other names: c.482dup, p.Leu161fs (NM_000109.4); c.494dup, p.Leu165fs (NM_004009.3); c.137dup, p.Leu46fs (NM_004010.3); short protein forms L161fs, L165fs, L169fs, L46fs.
Identifiers: ClinVar variation 1526106 (VCV001526106.1), dbSNP rs2148806096, ClinGen allele CA2573158592.
Genomic context (GRCh38, chrX:32,816,491, plus strand): 5'-TTTTACAAGTTATTTAATGTCTCAGTAATCTTCTTACCTATGACTATGGATGAGAGCATT[C>CA]AAAGCCAGGCCATCAGACCAGCTGGTGGTGAAGTTGATTACATTAACCTGTGGATAATTA-3'

ClinVar aggregate classification (germline): Likely pathogenic (1 of 4 stars; one submission).

Conditions:
Duchenne muscular dystrophy (DMD). Also called: MUSCULAR DYSTROPHY, PSEUDOHYPERTROPHIC PROGRESSIVE, DUCHENNE TYPE; Duchenne Muscular Dystrophy (DMD). Identifiers: Orphanet 98896, MedGen C0013264, MONDO:0010679, OMIM 310200.

Submission:

3billion
Classification: Likely pathogenic for Duchenne muscular dystrophy. Last evaluated: 2022-03-22. Review status: criteria provided, single submitter. Criteria: ACMG Guidelines, 2015. Collection method: clinical testing. Allele origin: germline. Affected: yes. Observed: 1 hemizygote.
Comment: Frameshift: predicted to result in a loss or disruption of normal protein function through nonsense-mediated decay (NMD) or protein truncation. Multiple pathogenic variants are reported downstream of the variant.It is not observed in the gnomAD v2.1.1 dataset. Therefore, this variant is classified as likely pathogenic according to the recommendation of ACMG/AMP guideline.